The following is an entry in ClinVar:

ClinVar aggregate classification (germline): Benign (1 of 4 stars; one submission).

Conditions:
Leukodystrophy, hypomyelinating, 7, with or without oligodontia and/or hypogonadotropic hypogonadism (HLD7). Also called: LEUKOENCEPHALOPATHY, HYPOMYELINATING, WITH ATAXIA AND DELAYED DENTITION; ATAXIA, DELAYED DENTITION, AND HYPOMYELINATION; LEUKODYSTROPHY, HYPOMYELINATING, 7, WITH OLIGODONTIA; LEUKODYSTROPHY, HYPOMYELINATING, 7, WITH OLIGODONTIA AND HYPOGONADOTROPIC HYPOGONADISM; LEUKODYSTROPHY, HYPOMYELINATING, 7, WITHOUT OLIGODONTIA OR HYPOGONADOTROPIC HYPOGONADISM; Ataxia, Delayed Dentition and Hypomyelination (ADDH). Identifiers: Orphanet 137639, Orphanet 447893, Orphanet 447896, Orphanet 77295, Orphanet 88637, MedGen CN034185, MONDO:0011897, OMIM 607694.

Allele frequency attached by ClinVar (database versions not stated): gnomAD 0.02867 and 0.03062; TOPMed 0.03254; 1000 Genomes Project 0.03514; 1000 Genomes Project 30x 0.03888.

Submission:

Illumina Laboratory Services, Illumina
Classification: Benign for Leukodystrophy, hypomyelinating, 7, with or without oligodontia and/or hypogonadotropic hypogonadism. Last evaluated: 2018-01-13. Review status: criteria provided, single submitter. Criteria: ICSL Variant Classification Criteria 13 December 2019. Collection method: clinical testing. Allele origin: germline.
Comment: This variant was observed in the ICSL laboratory as part of a predisposition screen in an ostensibly healthy population. It had not been previously curated by ICSL or reported in the Human Gene Mutation Database (HGMD: prior to June 1st, 2018), and was therefore a candidate for classification through an automated scoring system. Utilizing variant allele frequency, disease prevalence and penetrance estimates, and inheritance mode, an automated score was calculated to assess if this variant is too frequent to cause the disease. Based on the score and internal cut-off values, a variant classified as benign is not then subjected to further curation. The score for this variant resulted in a classification of benign for this disease.

NM_007055.4(POLR3A):c.*1680C>G

Gene: POLR3A (RNA polymerase III subunit A; minus strand). Cytogenetic location: 10q22.3.
Variant type: single nucleotide variant.
Coding change: c.*1680C>G on transcript NM_007055.4 (MANE Select); 1680 bases downstream of the stop codon, C replaced by G.
Molecular consequence: 3 prime UTR variant.
Genome position (GRCh38, 1-based): chr10:77,975,798, G>C on the plus strand (C>G on the coding strand, the complement: POLR3A is on the minus strand). VCF-style: chr10-77975798-G-C. GRCh37 (hg19) VCF-style: chr10-79735556-G-C.
Identifiers: ClinVar variation 301002 (VCV000301002.5), dbSNP rs80022412, ClinGen allele CA10632370.
Genomic context (GRCh38, chr10:77,975,798, plus strand): 5'-TTCTACCCTCCCCTGGCCTTTGCACGGATCCCAGTGGTCCTGGCTCGGATCAGGCCTACA[G>C]CTTACTTCCCAGGCATGCTTCCAGGAAGGCAGTTGGGGTGGGGGGTACCCCTTTATGGCT-3'